The following is an entry in ClinVar:

ClinVar aggregate classification (germline): Pathogenic. Review status: criteria provided, multiple submitters, no conflicts (2 of 4 stars). 2 submissions from 2 submitters: Pathogenic (2). Last evaluated 2023-05-15.

Conditions:
Hereditary cancer-predisposing syndrome. Also called: Tumor predisposition; Hereditary Cancer Syndrome; Hereditary neoplastic syndrome; Neoplastic Syndromes, Hereditary. Identifiers: Orphanet 140162, MedGen C0027672, MeSH D009386, MONDO:0015356.
Familial adenomatous polyposis 1 (FAP1). Also called: FAMILIAL ADENOMATOUS POLYPOSIS 1, ATTENUATED; POLYPOSIS, ADENOMATOUS INTESTINAL. Identifiers: MedGen C2713442, MONDO:0021056, OMIM 175100. Disease mechanism: loss of function.

Submissions (2):

Myriad Genetics, Inc.
Classification: Pathogenic for Familial adenomatous polyposis 1. Last evaluated: 2023-05-15. Review status: criteria provided, single submitter. Criteria: Myriad Autosomal Dominant, Autosomal Recessive and X-Linked Classification Criteria (2023). Collection method: clinical testing. Allele origin: unknown.
Comment: This variant is considered pathogenic. This variant creates a frameshift predicted to result in premature protein truncation.

Ambry Genetics
Classification: Pathogenic for Hereditary cancer-predisposing syndrome. Last evaluated: 2017-02-07. Review status: criteria provided, single submitter. Criteria: Ambry Variant Classification Scheme 2023. Collection method: clinical testing. Allele origin: germline.
Comment: The c.6390_6391delTG pathogenic mutation, located in coding exon 15 of the APC gene, results from a deletion of two nucleotides at nucleotide positions 6390 to 6391, causing a translational frameshift with a predicted alternate stop codon (p.D2131Ffs*22). This alteration is expected to result in loss of function by premature protein truncation. As such, this alteration is interpreted as a disease-causing mutation.

NM_000038.6(APC):c.6390_6391del (p.Asp2131fs)

Gene: APC (APC regulator of Wnt signaling pathway; plus strand). Cytogenetic location: 5q22.2.
Variant type: Deletion.
Coding change: c.6390_6391del on transcript NM_000038.6 (MANE Select); coding-DNA positions 6390 to 6391, 2 bases deleted (TG; older notation c.6390_6391delTG).
Protein change: p.Asp2131fs; shifts the reading frame from aspartic acid 2131.
Molecular consequence: frameshift variant.
Genome position (GRCh38, 1-based): chr5:112,841,984-112,841,985, TG deleted. VCF-style (leftmost placement, unchanged base first): chr5-112841983-CTG-C. GRCh37 (hg19) VCF-style: chr5-112177680-CTG-C.
Other names: c.6390_6391del, p.Asp2131fs (NM_001127510.3, NM_001354895.2); c.6336_6337del, p.Asp2113fs (NM_001127511.3); c.6444_6445del, p.Asp2149fs (NM_001354896.2); c.6420_6421del, p.Asp2141fs (NM_001354897.2); c.6315_6316del, p.Asp2106fs (NM_001354898.2); c.6306_6307del, p.Asp2103fs (NM_001354899.2); c.6267_6268del, p.Asp2090fs (NM_001354900.2); c.6213_6214del, p.Asp2072fs (NM_001354901.2); and 5 more; short protein forms D2040fs, D2103fs, D2090fs, D2149fs, D1848fs, D1971fs, D2072fs, D2113fs.
Identifiers: ClinVar variation 486777 (VCV000486777.6), dbSNP rs1554087390, ClinGen allele CA658655997.